The following is an entry in ClinVar:

ClinVar aggregate classification (germline): Uncertain significance. Review status: criteria provided, single submitter (1 of 4 stars). 2 submissions from 2 submitters: Uncertain significance (1). 1 of the submissions does not count toward it. Last evaluated 2026-02-25.

Conditions:
FBN2-related disorder. Also called: FBN2-related condition.

gnomAD v4.1: 3 of 1,613,988 alleles (0.00019%); highest among the groups gnomAD compares: Admixed American, 0.0017%; no homozygotes.

Submissions (2):

GeneDx
Classification: Uncertain significance. Last evaluated: 2026-02-25. Review status: criteria provided, single submitter. Criteria: GeneDx Variant Classification Process June 2021. Collection method: clinical testing. Allele origin: germline.
Comment: Has not been previously published as pathogenic or benign to our knowledge; Not observed at significant frequency in large population cohorts (gnomAD); In silico analysis supports that this missense variant has a deleterious effect on protein structure/function; This variant is associated with the following publications: (PMID: 19006240, 18767143)

PreventionGenetics, part of Exact Sciences
Classification: Uncertain significance for FBN2-related condition. Last evaluated: 2024-08-16. Review status: no assertion criteria provided. Collection method: clinical testing. Allele origin: germline. Not counted in ClinVar's aggregate classification.
Comment: The FBN2 c.4374C>A variant is predicted to result in the amino acid substitution p.Asn1458Lys. To our knowledge, this variant has not been reported in the literature or in a large population database, indicating this variant is rare. At this time, the clinical significance of this variant is uncertain due to the absence of conclusive functional and genetic evidence.

NM_001999.4(FBN2):c.4374C>A (p.Asn1458Lys)

Gene: FBN2 (fibrillin 2; minus strand). Cytogenetic location: 5q23.3.
Variant type: single nucleotide variant.
Coding change: c.4374C>A on transcript NM_001999.4 (MANE Select); coding-DNA position 4374, C replaced by A.
Protein change: p.Asn1458Lys; replaces asparagine 1458 with lysine.
Molecular consequence: missense variant.
Genome position (GRCh38, 1-based): chr5:128,328,793, G>T on the plus strand (C>A on the coding strand, the complement: FBN2 is on the minus strand). VCF-style: chr5-128328793-G-T. GRCh37 (hg19) VCF-style: chr5-127664485-G-T.
Other names: short protein forms N1458K.
Identifiers: ClinVar variation 3346816 (VCV003346816.3).
Genomic context (GRCh38, chr5:128,328,793, plus strand): 5'-CATCTCACACTCGCAGCGATATGCACCCGGGACATTAAGGCACTGTCCGTTCTCACAGAG[G>T]TTTATGTTTTCTGCACACTCATCAACATCTGTGCAAAAAAGCAAATTACATCTCTGTTAA-3'
Protein context (NP_001990.2, residues 1448-1468): SDVDECAENI[Asn1458Lys]LCENGQCLNV